The following is an entry in ClinVar:

ClinVar aggregate classification (germline): Uncertain significance (1 of 4 stars; one submission).

Conditions:
Methylmalonic acidemia with homocystinuria, type cblX (MAHCX). Also called: INTELLECTUAL DEVELOPMENTAL DISORDER, X-LINKED 3. Identifiers: Orphanet 369962, MedGen C0796208, MONDO:0010657, OMIM 309541.

Submission:

Labcorp Genetics (formerly Invitae), Labcorp
Classification: Uncertain significance for Methylmalonic acidemia with homocystinuria, type cblX. Last evaluated: 2025-05-03. Review status: criteria provided, single submitter. Criteria: Invitae Variant Classification Sherloc (09022015). Collection method: clinical testing. Allele origin: germline.
Comment: This sequence change replaces proline, which is neutral and non-polar, with serine, which is neutral and polar, at codon 465 of the HCFC1 protein (p.Pro465Ser). This variant is not present in population databases (gnomAD no frequency). This variant has not been reported in the literature in individuals affected with HCFC1-related conditions. An algorithm developed to predict the effect of missense changes on protein structure and function (PolyPhen-2) suggests that this variant is likely to be disruptive. In summary, the available evidence is currently insufficient to determine the role of this variant in disease. Therefore, it has been classified as a Variant of Uncertain Significance.

NM_005334.3(HCFC1):c.1393C>T (p.Pro465Ser)

Gene: HCFC1 (host cell factor C1; minus strand). Cytogenetic location: Xq28.
Variant type: single nucleotide variant.
Coding change: c.1393C>T on transcript NM_005334.3 (MANE Select); coding-DNA position 1393, C replaced by T.
Protein change: p.Pro465Ser; replaces proline 465 with serine.
Molecular consequence: missense variant.
Genome position (GRCh38, 1-based): chrX:153,959,853, G>A on the plus strand (C>T on the coding strand, the complement: HCFC1 is on the minus strand). VCF-style: chrX-153959853-G-A. GRCh37 (hg19) VCF-style: chrX-153225304-G-A.
Other names: c.1393C>T, p.Pro465Ser (NM_001410705.1, NM_001440843.1, NM_001440844.1 and 7 more transcripts); short protein forms P465S.
Identifiers: ClinVar variation 4811385 (VCV004811385.1).
Genomic context (GRCh38, chrX:153,959,853, plus strand): 5'-CTGGCTCACCTTGAGTCCTGGCTGCGGTGGGCACAGAAATGGAGCTGCCAGGCACCGTTG[G>A]CAAGACCTGGATGGTGGTGGTGGTCGGGGGTGCGGGGGCAGCCTGGGGCAGGAGCGTGAT-3'
Protein context (NP_005325.2, residues 455-475): PPTTTTIQVL[Pro465Ser]TVPGSSISVP